The following is an entry in ClinVar:

ClinVar aggregate classification (germline): Uncertain significance. Review status: criteria provided, multiple submitters, no conflicts (2 of 4 stars). 2 submissions from 2 submitters: Uncertain significance (2). Last evaluated 2025-03-20.

Allele frequency attached by ClinVar (database versions not stated): gnomAD 0.00001; TOPMed 0.00001.
gnomAD v4.1: 2 of 1,607,162 alleles (0.00012%); highest among the groups gnomAD compares: Non-Finnish European, 0.00017%; no homozygotes.

Submissions (2):

Labcorp Genetics (formerly Invitae), Labcorp
Classification: Uncertain significance. Last evaluated: 2025-03-20. Review status: criteria provided, single submitter. Criteria: Invitae Variant Classification Sherloc (09022015). Collection method: clinical testing. Allele origin: germline.
Comment: This sequence change replaces valine, which is neutral and non-polar, with isoleucine, which is neutral and non-polar, at codon 804 of the RASA2 protein (p.Val804Ile). This variant is not present in population databases (gnomAD no frequency). This variant has not been reported in the literature in individuals affected with RASA2-related conditions. ClinVar contains an entry for this variant (Variation ID: 1790886). Invitae Evidence Modeling of protein sequence and biophysical properties (such as structural, functional, and spatial information, amino acid conservation, physicochemical variation, residue mobility, and thermodynamic stability) indicates that this missense variant is not expected to disrupt RASA2 protein function with a negative predictive value of 80%. In summary, the available evidence is currently insufficient to determine the role of this variant in disease. Therefore, it has been classified as a Variant of Uncertain Significance.

Ambry Genetics
Classification: Uncertain significance. Last evaluated: 2024-08-25. Review status: criteria provided, single submitter. Criteria: Ambry Variant Classification Scheme 2023. Collection method: clinical testing. Allele origin: germline.
Comment: The p.V804I variant (also known as c.2410G>A), located in coding exon 23 of the RASA2 gene, results from a G to A substitution at nucleotide position 2410. The valine at codon 804 is replaced by isoleucine, an amino acid with highly similar properties. This amino acid position is conserved. In addition, this alteration is predicted to be tolerated by in silico analysis. Since supporting evidence is limited at this time, the clinical significance of this alteration remains unclear.

NM_006506.5(RASA2):c.2410G>A (p.Val804Ile)

Gene: RASA2 (RAS p21 protein activator 2; plus strand). Cytogenetic location: 3q23.
Variant type: single nucleotide variant.
Coding change: c.2410G>A on transcript NM_006506.5 (MANE Select); coding-DNA position 2410, G replaced by A.
Protein change: p.Val804Ile; replaces valine 804 with isoleucine.
Molecular consequence: missense variant.
Genome position (GRCh38, 1-based): chr3:141,609,957, G>A. VCF-style: chr3-141609957-G-A. GRCh37 (hg19) VCF-style: chr3-141328799-G-A.
Other names: c.2413G>A, p.Val805Ile (NM_001303245.3); c.2422G>A, p.Val808Ile (NM_001303246.3); short protein forms V804I, V805I, V808I.
Identifiers: ClinVar variation 1790886 (VCV001790886.4), dbSNP rs750321951, ClinGen allele CA354777427.